The following is an entry in ClinVar:

NM_003200.5(TCF3):c.206T>C (p.Phe69Ser)

Gene: TCF3 (transcription factor 3; minus strand). Cytogenetic location: 19p13.3.
Variant type: single nucleotide variant.
Coding change: c.206T>C on transcript NM_003200.5 (MANE Select); coding-DNA position 206, T replaced by C.
Protein change: p.Phe69Ser; replaces phenylalanine 69 with serine.
Molecular consequence: missense variant.
Genome position (GRCh38, 1-based): chr19:1,632,345, A>G on the plus strand (T>C on the coding strand, the complement: TCF3 is on the minus strand). VCF-style: chr19-1632345-A-G. GRCh37 (hg19) VCF-style: chr19-1632344-A-G.
Other names: c.206T>C, p.Phe69Ser (NM_001136139.4, NM_001351778.2, NM_001351779.2); short protein forms F69S.
Identifiers: ClinVar variation 4771702 (VCV004771702.1).
Genomic context (GRCh38, chr19:1,632,345, plus strand): 5'-TCTGGGGACAGGAAACTCAGGGTCTCAGGCCTCACGGGGACTCCTACCCGGCTGGGGTCA[A>G]AGGAGGAGCTGCTCTGGTCGCCGCTGCCCCAGGAGCCTGAGCTGGGCCGGTCCTCAAGAC-3'
Protein context (NP_003191.1, residues 59-79): WGSGDQSSSS[Phe69Ser]DPSRTFSEGT

ClinVar aggregate classification (germline): Uncertain significance (1 of 4 stars; one submission).

gnomAD v4.1: 7 of 1,589,490 alleles (0.00044%); highest among the groups gnomAD compares: Non-Finnish European, 0.0006%; no homozygotes.

Submission:

Labcorp Genetics (formerly Invitae), Labcorp
Classification: Uncertain significance. Last evaluated: 2025-09-26. Review status: criteria provided, single submitter. Criteria: Invitae Variant Classification Sherloc (09022015). Collection method: clinical testing. Allele origin: germline.
Comment: This sequence change replaces phenylalanine, which is neutral and non-polar, with serine, which is neutral and polar, at codon 69 of the TCF3 protein (p.Phe69Ser). The frequency data for this variant in the population databases is considered unreliable, as metrics indicate poor data quality at this position in the gnomAD database. This variant has not been reported in the literature in individuals affected with TCF3-related conditions. Invitae Evidence Modeling of protein sequence and biophysical properties (such as structural, functional, and spatial information, amino acid conservation, physicochemical variation, residue mobility, and thermodynamic stability) indicates that this missense variant is expected to disrupt TCF3 protein function with a positive predictive value of 80%. In summary, the available evidence is currently insufficient to determine the role of this variant in disease. Therefore, it has been classified as a Variant of Uncertain Significance.